The following is an entry in ClinVar:

ClinVar aggregate classification (germline): Pathogenic (1 of 4 stars; one submission).

Submission:

Labcorp Genetics (formerly Invitae), Labcorp
Classification: Pathogenic. Last evaluated: 2023-05-01. Review status: criteria provided, single submitter. Criteria: Invitae Variant Classification Sherloc (09022015). Collection method: clinical testing. Allele origin: germline.
Comment: For these reasons, this variant has been classified as Pathogenic. This variant has not been reported in the literature in individuals affected with EFNB1-related conditions. This variant is not present in population databases (gnomAD no frequency). This sequence change creates a premature translational stop signal (p.Gly150Alafs*9) in the EFNB1 gene. It is expected to result in an absent or disrupted protein product. Loss-of-function variants in EFNB1 are known to be pathogenic (PMID: 15959873, 16685650).

Literature cited by the submitters: PubMed 15959873; PubMed 16685650.

NM_004429.5(EFNB1):c.449del (p.Gly150fs)

Gene: EFNB1 (ephrin B1; plus strand). Cytogenetic location: Xq13.1.
Variant type: Deletion.
Coding change: c.449del on transcript NM_004429.5 (MANE Select); coding-DNA position 449, one base deleted (G; older notation c.449delG).
Protein change: p.Gly150fs; shifts the reading frame from glycine 150.
Molecular consequence: frameshift variant.
Genome position (GRCh38, 1-based): chrX:68,839,706, G deleted; the last of 3 consecutive G bases (chrX:68,839,704-68,839,706); deleting any one gives the same sequence. VCF-style (leftmost placement, unchanged base first): chrX-68839703-AG-A. GRCh37 (hg19) VCF-style: chrX-68059546-AG-A.
Other names: short protein forms G150fs.
Identifiers: ClinVar variation 2861381 (VCV002861381.3), dbSNP rs2519539219, ClinGen allele CA2739273558.